The following is an entry in ClinVar:

NM_000136.3(FANCC):c.778A>G (p.Lys260Glu)

Genes: AOPEP (aminopeptidase O (putative); plus strand), FANCC (FA complementation group C; minus strand). Cytogenetic location: 9q22.32.
Variant type: single nucleotide variant.
Coding change: c.778A>G on transcript NM_000136.3 (MANE Select); coding-DNA position 778, A replaced by G.
Protein change: p.Lys260Glu; replaces lysine 260 with glutamic acid.
Molecular consequence: missense variant.
Genome position (GRCh38, 1-based): chr9:95,135,411, T>C on the plus strand (A>G on the coding strand, the complement: FANCC is on the minus strand). VCF-style: chr9-95135411-T-C. GRCh37 (hg19) VCF-style: chr9-97897693-T-C.
Other names: c.778A>G, p.Lys260Glu (NM_001243743.2, NM_001243744.2); short protein forms K260E.
Identifiers: ClinVar variation 960051 (VCV000960051.11), dbSNP rs1282238372, ClinGen allele CA374109306.

ClinVar aggregate classification (germline): Uncertain significance. Review status: criteria provided, multiple submitters, no conflicts (2 of 4 stars). 2 submissions from 2 submitters: Uncertain significance (2). Last evaluated 2023-02-09.

Conditions:
Hereditary cancer-predisposing syndrome. Also called: Tumor predisposition; Hereditary neoplastic syndrome; Neoplastic Syndromes, Hereditary; Hereditary Cancer Syndrome. Identifiers: Orphanet 140162, MedGen C0027672, MeSH D009386, MONDO:0015356.
Fanconi anemia (FA). Also called: Fanconi's anemia. Identifiers: Orphanet 84, MedGen C0015625, MeSH D005199, MONDO:0019391.

Submissions (2):

Ambry Genetics
Classification: Uncertain significance for Hereditary cancer-predisposing syndrome. Last evaluated: 2023-02-09. Review status: criteria provided, single submitter. Criteria: Ambry Variant Classification Scheme 2023. Collection method: clinical testing. Allele origin: germline.
Comment: The p.K260E variant (also known as c.778A>G), located in coding exon 7 of the FANCC gene, results from an A to G substitution at nucleotide position 778. The lysine at codon 260 is replaced by glutamic acid, an amino acid with similar properties. This amino acid position is conserved. In addition, this alteration is predicted to be tolerated by in silico analysis. Since supporting evidence is limited at this time, the clinical significance of this alteration remains unclear.

Labcorp Genetics (formerly Invitae), Labcorp
Classification: Uncertain significance for Fanconi anemia. Last evaluated: 2019-08-25. Review status: criteria provided, single submitter. Criteria: Invitae Variant Classification Sherloc (09022015). Collection method: clinical testing. Allele origin: germline.
Comment: Algorithms developed to predict the effect of sequence changes on RNA splicing suggest that this variant may create or strengthen a splice site, but this prediction has not been confirmed by published transcriptional studies. This sequence change replaces lysine with glutamic acid at codon 260 of the FANCC protein (p.Lys260Glu). The lysine residue is moderately conserved and there is a small physicochemical difference between lysine and glutamic acid. This variant is not present in population databases (ExAC no frequency). This variant has not been reported in the literature in individuals with FANCC-related conditions. Algorithms developed to predict the effect of missense changes on protein structure and function are either unavailable or do not agree on the potential impact of this missense change (SIFT: "Tolerated"; PolyPhen-2: "Probably Damaging"; Align-GVGD: "Class C0"). In summary, the available evidence is currently insufficient to determine the role of this variant in disease. Therefore, it has been classified as a Variant of Uncertain Significance.